The following is an entry in ClinVar:

NM_000059.4(BRCA2):c.374A>G (p.Asp125Gly)

Gene: BRCA2 (BRCA2 DNA repair associated; plus strand). Cytogenetic location: 13q13.1.
Variant type: single nucleotide variant.
Coding change: c.374A>G on transcript NM_000059.4 (MANE Select); coding-DNA position 374, A replaced by G.
Protein change: p.Asp125Gly; replaces aspartic acid 125 with glycine.
Molecular consequence: missense variant.
Genome position (GRCh38, 1-based): chr13:32,325,133, A>G. VCF-style: chr13-32325133-A-G. GRCh37 (hg19) VCF-style: chr13-32899270-A-G.
Other names: short protein forms D125G.
Identifiers: ClinVar variation 462305 (VCV000462305.13), dbSNP rs1340506651, ClinGen allele CA387756643.

ClinVar aggregate classification (germline): Uncertain significance. Review status: criteria provided, multiple submitters, no conflicts (2 of 4 stars). 3 submissions from 3 submitters: Uncertain significance (3). Last evaluated 2025-03-05.

Conditions:
Hereditary cancer-predisposing syndrome. Also called: Neoplastic Syndromes, Hereditary; Hereditary Cancer Syndrome; Hereditary neoplastic syndrome; Tumor predisposition. Identifiers: Orphanet 140162, MedGen C0027672, MeSH D009386, MONDO:0015356.
Hereditary breast ovarian cancer syndrome. Also called: Hereditary breast and ovarian cancer syndrome (HBOC); Hereditary breast and ovarian cancer syndrome; Breast and ovarian cancer; Hereditary breast and/or ovarian cancer syndrome; Hereditary breast and ovarian cancer; BRCA1- and BRCA2-Associated Hereditary Breast and Ovarian Cancer. Identifiers: Orphanet 145, MedGen C0677776, MeSH D061325, MONDO:0003582. Disease mechanism: loss of function.

Allele frequency attached by ClinVar (database versions not stated): TOPMed below 0.00001; gnomAD 0.00001.

Submissions (3):

Ambry Genetics
Classification: Uncertain significance for Hereditary cancer-predisposing syndrome. Last evaluated: 2025-03-05. Review status: criteria provided, single submitter. Criteria: Ambry Variant Classification Scheme 2023. Collection method: clinical testing. Allele origin: germline.
Comment: The p.D125G variant (also known as c.374A>G), located in coding exon 3 of the BRCA2 gene, results from an A to G substitution at nucleotide position 374. The aspartic acid at codon 125 is replaced by glycine, an amino acid with similar properties. This amino acid position is not well conserved in available vertebrate species. In addition, this alteration is predicted to be tolerated by in silico analysis. Based on the available evidence, the clinical significance of this variant remains unclear.

Labcorp Genetics (formerly Invitae), Labcorp
Classification: Uncertain significance for Hereditary breast ovarian cancer syndrome. Last evaluated: 2024-02-17. Review status: criteria provided, single submitter. Criteria: Invitae Variant Classification Sherloc (09022015). Collection method: clinical testing. Allele origin: germline.
Comment: This sequence change replaces aspartic acid, which is acidic and polar, with glycine, which is neutral and non-polar, at codon 125 of the BRCA2 protein (p.Asp125Gly). This variant is not present in population databases (gnomAD no frequency). This variant has not been reported in the literature in individuals affected with BRCA2-related conditions. ClinVar contains an entry for this variant (Variation ID: 462305). Advanced modeling of protein sequence and biophysical properties (such as structural, functional, and spatial information, amino acid conservation, physicochemical variation, residue mobility, and thermodynamic stability) performed at Invitae indicates that this missense variant is not expected to disrupt BRCA2 protein function with a negative predictive value of 95%. In summary, the available evidence is currently insufficient to determine the role of this variant in disease. Therefore, it has been classified as a Variant of Uncertain Significance.

Quest Diagnostics Nichols Institute San Juan Capistrano
Classification: Uncertain significance. Last evaluated: 2020-11-19. Review status: criteria provided, single submitter. Criteria: Quest Diagnostics criteria. Collection method: clinical testing. Allele origin: unknown.